The following is an entry in ClinVar:

ClinVar aggregate classification (germline): Pathogenic. Review status: criteria provided, multiple submitters, no conflicts (2 of 4 stars). 3 submissions from 3 submitters: Pathogenic (2). 1 of the submissions does not count toward it. Last evaluated 2024-12-18.

Conditions:
Ehlers-Danlos syndrome, classic type, 1 (EDSCL1). Also called: EHLERS-DANLOS SYNDROME, GRAVIS TYPE; EHLERS-DANLOS SYNDROME, SEVERE CLASSIC TYPE; EDS I; Ehlers-Danlos Syndrome, Classic Type, COL5A1-Related; Ehlers-Danlos syndrome, type 1. Identifiers: MedGen C0268335, MONDO:0019567, OMIM 130000.
Osteogenesis imperfecta type I (OI1). Also called: OI, TYPE I; OSTEOGENESIS IMPERFECTA TARDA; OSTEOGENESIS IMPERFECTA WITH BLUE SCLERAE; Classic Non-deforming Osteogenesis Imperfecta with Blue Sclerae; Lobstein disease; Osteogenesis imperfecta type 1. Identifiers: Orphanet 216796, Orphanet 666, MedGen C0023931, MONDO:0008146, OMIM 166200. Disease mechanism: loss of function.

Submissions (3):

GeneDx
Classification: Pathogenic. Last evaluated: 2024-12-18. Review status: criteria provided, single submitter. Criteria: GeneDx Variant Classification Process June 2021. Collection method: clinical testing. Allele origin: germline. Affected: yes.
Comment: Apparently de novo variant in patients with OI and dentinogenesis imperfecta in the published literature (PMID: 32234057, 27510842, 26177859); Not observed at significant frequency in large population cohorts (gnomAD); In silico analysis supports that this missense variant has a deleterious effect on protein structure/function; Occurs in the triple helical domain and replaces a glycine in a canonical Gly-X-Y repeat; missense substitution of a canonical glycine residue is expected to disrupt normal protein folding and function, and this is an established mechanism of disease (PMID: 34007986); This variant is associated with the following publications: (PMID: 34007986, Skryabin.etal[articleinRussian], 27509835, 26177859, 27510842, 37270749, 34358384, 32234057, QingXue.etal[Review])

Labcorp Genetics (formerly Invitae), Labcorp
Classification: Pathogenic for Osteogenesis imperfecta type I; Ehlers-Danlos syndrome, classic type, 1. Last evaluated: 2024-01-19. Review status: criteria provided, single submitter. Criteria: Invitae Variant Classification Sherloc (09022015). Collection method: clinical testing. Allele origin: germline.
Comment: This sequence change replaces glycine, which is neutral and non-polar, with serine, which is neutral and polar, at codon 286 of the COL1A2 protein (p.Gly286Ser). This variant is not present in population databases (gnomAD no frequency). This missense change has been observed in individual(s) with osteogenesis imperfecta (PMID: 26177859). In at least one individual the variant was observed to be de novo. ClinVar contains an entry for this variant (Variation ID: 425662). Advanced modeling of protein sequence and biophysical properties (such as structural, functional, and spatial information, amino acid conservation, physicochemical variation, residue mobility, and thermodynamic stability) performed at Invitae indicates that this missense variant is expected to disrupt COL1A2 protein function with a positive predictive value of 95%. This variant disrupts the triple helix domain of COL1A2. Glycine residues within the Gly-Xaa-Yaa repeats of the triple helix domain are required for the structure and stability of fibrillar collagens (PMID: 7695699, 8218237, 19344236). In COL1A2, variants affecting these glycine residues are significantly enriched in individuals with disease (PMID: 9016532, 17078022) compared to the general population (ExAC). For these reasons, this variant has been classified as Pathogenic.

Department of Medical Sciences, Uppsala University
Classification: Pathogenic for OI type I. Review status: no assertion criteria provided. Collection method: clinical testing. Allele origin: unknown. Affected: yes. Observed: 1 variant allele. Not counted in ClinVar's aggregate classification.

Literature cited by the submitters: PubMed 26177859 (cited by Labcorp Genetics (formerly Invitae), Labcorp); PubMed 7695699 (cited by Labcorp Genetics (formerly Invitae), Labcorp); PubMed 8218237 (cited by Labcorp Genetics (formerly Invitae), Labcorp); PubMed 19344236 (cited by Labcorp Genetics (formerly Invitae), Labcorp); PubMed 9016532 (cited by Labcorp Genetics (formerly Invitae), Labcorp); PubMed 17078022 (cited by Labcorp Genetics (formerly Invitae), Labcorp); PubMed 25944380 (cited by Department of Medical Sciences, Uppsala University).

NM_000089.4(COL1A2):c.856G>A (p.Gly286Ser)

Gene: COL1A2 (collagen type I alpha 2 chain; plus strand). Cytogenetic location: 7q21.3.
Variant type: single nucleotide variant.
Coding change: c.856G>A on transcript NM_000089.4 (MANE Select); coding-DNA position 856, G replaced by A.
Protein change: p.Gly286Ser; replaces glycine 286 with serine.
Molecular consequence: missense variant.
Genome position (GRCh38, 1-based): chr7:94,409,385, G>A. VCF-style: chr7-94409385-G-A. GRCh37 (hg19) VCF-style: chr7-94038697-G-A.
Other names: c.856G>A (LRG_2t1); short protein forms G286S.
Identifiers: ClinVar variation 425662 (VCV000425662.5), dbSNP rs1114167418, ClinGen allele CA368220655.